The following is an entry in ClinVar:

ClinVar aggregate classification (germline): Uncertain significance (1 of 4 stars; one submission).

Conditions:
FADD-related immunodeficiency. Also called: Infections, recurrent, with encephalopathy, hepatic dysfunction, and cardiovascular malformations; FADD DEFICIENCY. Identifiers: Orphanet 306550, MedGen C3151062, MONDO:0013408, OMIM 613759.

Submission:

Labcorp Genetics (formerly Invitae), Labcorp
Classification: Uncertain significance for FADD-related immunodeficiency. Last evaluated: 2024-10-22. Review status: criteria provided, single submitter. Criteria: Invitae Variant Classification Sherloc (09022015). Collection method: clinical testing. Allele origin: germline.
Comment: This sequence change replaces asparagine, which is neutral and polar, with histidine, which is basic and polar, at codon 53 of the FADD protein (p.Asn53His). This variant is not present in population databases (gnomAD no frequency). This variant has not been reported in the literature in individuals affected with FADD-related conditions. An algorithm developed to predict the effect of missense changes on protein structure and function (PolyPhen-2) suggests that this variant is likely to be disruptive. In summary, the available evidence is currently insufficient to determine the role of this variant in disease. Therefore, it has been classified as a Variant of Uncertain Significance.

NM_003824.4(FADD):c.157A>C (p.Asn53His)

Gene: FADD (Fas associated via death domain; plus strand). Cytogenetic location: 11q13.3.
Variant type: single nucleotide variant.
Coding change: c.157A>C on transcript NM_003824.4 (MANE Select); coding-DNA position 157, A replaced by C.
Protein change: p.Asn53His; replaces asparagine 53 with histidine.
Molecular consequence: missense variant.
Genome position (GRCh38, 1-based): chr11:70,203,616, A>C. VCF-style: chr11-70203616-A-C. GRCh37 (hg19) VCF-style: chr11-70049722-A-C.
Other names: short protein forms N53H.
Identifiers: ClinVar variation 3723564 (VCV003723564.2).
Genomic context (GRCh38, chr11:70,203,616, plus strand): 5'-AAGCGCAAGCTGGAGCGCGTGCAGAGCGGCCTAGACCTCTTCTCCATGCTGCTGGAGCAG[A>C]ACGACCTGGAGCCCGGGCACACCGAGCTCCTGCGCGAGCTGCTCGCCTCCCTGCGGCGCC-3'
Protein context (NP_003815.1, residues 43-63): LDLFSMLLEQ[Asn53His]DLEPGHTELL